The following is an entry in ClinVar:

NM_001166108.2(PALLD):c.226T>C (p.Cys76Arg)

Gene: PALLD (palladin, cytoskeletal associated protein; plus strand). Cytogenetic location: 4q32.3.
Variant type: single nucleotide variant.
Coding change: c.226T>C on transcript NM_001166108.2 (MANE Select); coding-DNA position 226, T replaced by C.
Protein change: p.Cys76Arg; replaces cysteine 76 with arginine.
Molecular consequence: missense variant.
Genome position (GRCh38, 1-based): chr4:168,511,730, T>C. VCF-style: chr4-168511730-T-C. GRCh37 (hg19) VCF-style: chr4-169432881-T-C.
Other names: c.226T>C, p.Cys76Arg (NM_016081.4); short protein forms C76R.
Identifiers: ClinVar variation 3304109 (VCV003304109.1).

ClinVar aggregate classification (germline): Uncertain significance (1 of 4 stars; one submission).

gnomAD v4.1: 1 of 1,614,194 alleles (0.000062%); highest among the groups gnomAD compares: African/African-American, 0.0013%; no homozygotes.

Submission:

Ambry Genetics
Classification: Uncertain significance. Last evaluated: 2024-06-01. Review status: criteria provided, single submitter. Criteria: Ambry Variant Classification Scheme 2023. Collection method: clinical testing. Allele origin: germline.
Comment: The p.C76R variant (also known as c.226T>C), located in coding exon 1 of the PALLD gene, results from a T to C substitution at nucleotide position 226. The cysteine at codon 76 is replaced by arginine, an amino acid with highly dissimilar properties. This amino acid position is conserved. In addition, this alteration is predicted to be tolerated by in silico analysis. Based on the available evidence, the clinical significance of this variant remains unclear.